The following is an entry in ClinVar:

ClinVar aggregate classification (germline): Conflicting classifications of pathogenicity. Review status: criteria provided, conflicting classifications (1 of 4 stars). 6 submissions from 5 submitters: Likely pathogenic (1); Uncertain significance (4). 1 of the submissions does not count toward it. Last evaluated 2024-11-21.

Conditions:
Transitory neonatal diabetes mellitus. Also called: Transient neonatal diabetes mellitus. Identifiers: MedGen C0342273, MONDO:0020525, HP:0008255.
Maturity-onset diabetes of the young (MODY). Also called: Maturity onset diabetes mellitus in young. Identifiers: Orphanet 552, MedGen C0342276, MONDO:0018911, HP:0004904.
Hereditary hyperinsulinism.
Diabetes mellitus, transient neonatal, 2 (TNDM2). Identifiers: Orphanet 99886, MedGen C1835887, MONDO:0012480, OMIM 610374. Disease mechanism: loss of function.

Allele frequency attached by ClinVar (database versions not stated): TOPMed 0.00002.

Submissions (6):

GeneDx
Classification: Uncertain significance. Last evaluated: 2024-11-21. Review status: criteria provided, single submitter. Criteria: GeneDx Variant Classification Process June 2021. Collection method: clinical testing. Allele origin: germline. Affected: yes.
Comment: Reported in a proband with transient neonatal diabetes mellitus type 2 (PMID: 31564432); In silico analysis supports that this missense variant has a deleterious effect on protein structure/function; Not observed at significant frequency in large population cohorts (gnomAD); This variant is associated with the following publications: (PMID: 31019026, 34645491, 31564432)

Rady Children's Institute for Genomic Medicine, Rady Children's Hospital San Diego
Classification: Likely pathogenic for DIABETES MELLITUS, TRANSIENT NEONATAL, 2. Last evaluated: 2018-01-23. Review status: criteria provided, single submitter. Criteria: ACMG Guidelines, 2015. Collection method: clinical testing. Allele origin: germline. Affected: yes. Observed: 1 variant allele.
Comment: This variant was not previously reported in the literature and/or found in the 1000 Genomes, Exome Variant Server (EVS), and Exome Aggregation Consortium (ExAC) databases to our knowledge. Thus, it is presumed to be rare. Although this particular variant has not been reported in the literature, pathogenic alterations at the same amino acid and amino acids adjacent to 1531 have been previously reported (PMID: 19475716). Based on the combined evidence, the p.Thr1531Pro missense variant is classified as likely pathogenic.

Athena Diagnostics
Classification: Uncertain significance. Last evaluated: 2016-10-25. Review status: criteria provided, single submitter. Criteria: Athena Diagnostics Criteria. Collection method: clinical testing. Allele origin: germline.

Clinical Genomics, Uppaluri K&H Personalized Medicine Clinic
Classification: Uncertain significance for Maturity-onset diabetes of the young. Review status: criteria provided, single submitter. Criteria: K & H Uppaluri Personalized Medicine Clinic Variant Classification & Assertion Criteria_Updated V.1. Collection method: research. Allele origin: somatic. Inheritance: Somatic mutation.
Comment: Mutations in ABCC8 gene are associated with both neonatal diabetes mellitus as well as MODY. Patients with this mutation may have a better response to sulfonylureas. However, no sufficient evidence is found to ascertain the role of this particular variant ( rs796891223) in MODY yet.

Clinical Genomics, Uppaluri K&H Personalized Medicine Clinic
Classification: Uncertain significance for Transitory neonatal diabetes mellitus. Review status: criteria provided, single submitter. Criteria: K & H Uppaluri Personalized Medicine Clinic Variant Classification & Assertion Criteria_Updated V.1. Collection method: research. Allele origin: somatic. Inheritance: Somatic mutation.
Comment: Mutations in ABCC8 gene are associated with both neonatal diabetes mellitus as well as MODY. Patients with this mutation may have a better response to sulfonylureas. However, no sufficient evidence is found to ascertain the role of this particular variant ( rs796891223) in neonatal diabetes yet.

Natera, Inc.
Classification: Uncertain significance for Hereditary hyperinsulinism. Last evaluated: 2021-01-12. Review status: no assertion criteria provided. Collection method: clinical testing. Allele origin: germline. Not counted in ClinVar's aggregate classification.

Literature cited by the submitters: PubMed 16885549 (cited by Clinical Genomics, Uppaluri K&H Personalized Medicine Clinic); PubMed 21989597 (cited by Clinical Genomics, Uppaluri K&H Personalized Medicine Clinic); PubMed 27538677 (cited by Clinical Genomics, Uppaluri K&H Personalized Medicine Clinic); PubMed 18981553 (cited by Clinical Genomics, Uppaluri K&H Personalized Medicine Clinic); PubMed 32027066 (cited by Clinical Genomics, Uppaluri K&H Personalized Medicine Clinic); PubMed 16613899 (cited by Clinical Genomics, Uppaluri K&H Personalized Medicine Clinic); PubMed 18025408 (cited by Clinical Genomics, Uppaluri K&H Personalized Medicine Clinic); PubMed 32792356 (cited by Clinical Genomics, Uppaluri K&H Personalized Medicine Clinic).

NM_000352.6(ABCC8):c.4591A>C (p.Thr1531Pro)

Gene: ABCC8 (ATP binding cassette subfamily C member 8; minus strand). Cytogenetic location: 11p15.1.
Variant type: single nucleotide variant.
Coding change: c.4591A>C on transcript NM_000352.6 (MANE Select); coding-DNA position 4591, A replaced by C.
Protein change: p.Thr1531Pro; replaces threonine 1531 with proline.
Molecular consequence: missense variant. On other transcripts: non-coding transcript variant (1).
Genome position (GRCh38, 1-based): chr11:17,393,714, T>G on the plus strand (A>C on the coding strand, the complement: ABCC8 is on the minus strand). VCF-style: chr11-17393714-T-G. GRCh37 (hg19) VCF-style: chr11-17415261-T-G.
Other names: c.4594A>C, p.Thr1532Pro (NM_001287174.3); c.4657A>C, p.Thr1553Pro (NM_001351295.2); c.4591A>C, p.Thr1531Pro (NM_001351296.2); c.4588A>C, p.Thr1530Pro (NM_001351297.2); short protein forms T1531P, T1532P, T1530P, T1553P.
Identifiers: ClinVar variation 446778 (VCV000446778.5), dbSNP rs796891223, ClinGen allele CA218406302.